The following is an entry in ClinVar:

ClinVar aggregate classification (germline): Uncertain significance (1 of 4 stars; one submission).

Submission:

Dasa
Classification: Uncertain significance. Last evaluated: 2026-03-06. Review status: criteria provided, single submitter. Criteria: DASA Assertion Criteria. Collection method: clinical testing. Allele origin: germline.
Comment: NM_007137.5(ZNF81):c.992T>C (p.Ile331Thr) is a missense variant that results in the substitution of isoleucine with threonine. This variant is rare in population databases. Computational prediction algorithms are consistent with a benign effect. The currently available literature and clinical evidence are not sufficient to establish a definitive association between this variant and the reported condition. Therefore, this variant is classified as a variant of uncertain significance.

NM_007137.5(ZNF81):c.992T>C (p.Ile331Thr)

Gene: ZNF81 (zinc finger protein 81; plus strand). Cytogenetic location: Xp11.23.
Variant type: single nucleotide variant.
Coding change: c.992T>C on transcript NM_007137.5 (MANE Select); coding-DNA position 992, T replaced by C.
Protein change: p.Ile331Thr; replaces isoleucine 331 with threonine.
Molecular consequence: missense variant. On other transcripts: intron variant (2).
Genome position (GRCh38, 1-based): chrX:47,915,638, T>C. VCF-style: chrX-47915638-T-C. GRCh37 (hg19) VCF-style: chrX-47775037-T-C.
Other names: c.992T>C, p.Ile331Thr (NM_001378152.1, NM_001378153.1); c.278-8286T>C (NM_001378154.1); c.278-5670T>C (NM_001378155.1); short protein forms I331T.
Identifiers: ClinVar variation 4882456 (VCV004882456.2).